The following is an entry in ClinVar:

ClinVar aggregate classification (germline): Pathogenic. Review status: reviewed by expert panel (3 of 4 stars). 6 submissions from 6 submitters: Pathogenic (1). 5 of the submissions do not count toward it. Last evaluated 2016-09-08.

Conditions:
Hereditary cancer-predisposing syndrome. Also called: Tumor predisposition; Neoplastic Syndromes, Hereditary; Hereditary Cancer Syndrome; Hereditary neoplastic syndrome. Identifiers: Orphanet 140162, MedGen C0027672, MeSH D009386, MONDO:0015356.
Hereditary breast ovarian cancer syndrome. Also called: Hereditary breast and ovarian cancer syndrome (HBOC); Hereditary breast and ovarian cancer syndrome; Hereditary breast and ovarian cancer; Hereditary breast and/or ovarian cancer syndrome; Breast and ovarian cancer; BRCA1- and BRCA2-Associated Hereditary Breast and Ovarian Cancer. Identifiers: Orphanet 145, MedGen C0677776, MeSH D061325, MONDO:0003582. Disease mechanism: loss of function.
Breast-ovarian cancer, familial, susceptibility to, 1 (BROVCA1). Also called: OVARIAN CANCER, SUSCEPTIBILITY TO; BRCA1 Hereditary Breast and Ovarian Cancer. Identifiers: Orphanet 145, MedGen C2676676, MONDO:0011450, OMIM 604370. Disease mechanism: loss of function.

Submissions (6):

Evidence-based Network for the Interpretation of Germline Mutant Alleles (ENIGMA)
Classification: Pathogenic for Breast-ovarian cancer, familial, susceptibility to, 1. Last evaluated: 2016-09-08. Review status: reviewed by expert panel. Criteria: ENIGMA BRCA1/2 Classification Criteria (2015). Collection method: curation. Allele origin: germline.
Comment: Variant allele predicted to encode a truncated non-functional protein.

Ambry Genetics
Classification: Pathogenic for Hereditary cancer-predisposing syndrome. Last evaluated: 2025-03-23. Review status: criteria provided, single submitter. Criteria: Ambry Variant Classification Scheme 2023. Collection method: clinical testing. Allele origin: germline. Not counted in ClinVar's aggregate classification.
Comment: The c.3037_3038delGA pathogenic mutation, located in coding exon 9 of the BRCA1 gene, results from a deletion of two nucleotides at nucleotide positions 3037 to 3038, causing a translational frameshift with a predicted alternate stop codon (p.E1013Nfs*4). In addition to the information provided in the literature, this alteration is expected to result in loss of function by premature protein truncation or nonsense-mediated mRNA decay. As such, this alteration is interpreted as a disease-causing mutation.

Labcorp Genetics (formerly Invitae), Labcorp
Classification: Pathogenic for Hereditary breast ovarian cancer syndrome. Last evaluated: 2023-07-21. Review status: criteria provided, single submitter. Criteria: Invitae Variant Classification Sherloc (09022015). Collection method: clinical testing. Allele origin: germline. Not counted in ClinVar's aggregate classification.
Comment: For these reasons, this variant has been classified as Pathogenic. ClinVar contains an entry for this variant (Variation ID: 37502). This premature translational stop signal has been observed in individual(s) with a personal and/or family history of breast and/or ovarian cancer (PMID: 31954625). This variant is present in population databases (rs397507208, gnomAD 0.003%). This sequence change creates a premature translational stop signal (p.Glu1013Asnfs*4) in the BRCA1 gene. It is expected to result in an absent or disrupted protein product. Loss-of-function variants in BRCA1 are known to be pathogenic (PMID: 20104584).

Quest Diagnostics Nichols Institute San Juan Capistrano
Classification: Pathogenic for Breast-ovarian cancer, familial, susceptibility to, 1. Last evaluated: 2015-10-26. Review status: criteria provided, single submitter. Criteria: Quest Diagnostics criteria. Collection method: clinical testing. Allele origin: germline. Inheritance: Autosomal dominant inheritance. Not counted in ClinVar's aggregate classification.

Consortium of Investigators of Modifiers of BRCA1/2 (CIMBA), c/o University of Cambridge
Classification: Pathogenic for Breast-ovarian cancer, familial, susceptibility to, 1. Last evaluated: 2015-10-02. Review status: criteria provided, single submitter. Criteria: CIMBA Mutation Classification guidelines May 2016. Collection method: clinical testing. Allele origin: germline. Not counted in ClinVar's aggregate classification.

Sharing Clinical Reports Project (SCRP)
Classification: Pathogenic for Breast-ovarian cancer, familial 1. Last evaluated: 2009-02-21. Review status: no assertion criteria provided. Collection method: clinical testing. Allele origin: germline. Not counted in ClinVar's aggregate classification.

Literature cited by the submitters: PubMed 29446198 (cited by Ambry Genetics); PubMed 31954625 (cited by Labcorp Genetics (formerly Invitae), Labcorp); PubMed 20104584 (cited by Labcorp Genetics (formerly Invitae), Labcorp); PubMed 26295337 (cited by Quest Diagnostics Nichols Institute San Juan Capistrano).

NM_007294.4(BRCA1):c.3037_3038del (p.Glu1013fs)

Gene: BRCA1 (BRCA1 DNA repair associated; minus strand). Cytogenetic location: 17q21.31.
Variant type: Microsatellite.
Coding change: c.3037_3038del on transcript NM_007294.4 (MANE Select); coding-DNA positions 3037 to 3038, 2 bases deleted (GA; older notation c.3037_3038delGA).
Protein change: p.Glu1013fs; shifts the reading frame from glutamic acid 1013.
Molecular consequence: frameshift variant. On other transcripts: intron variant (137).
Genome position (GRCh38, 1-based): chr17:43,092,493-43,092,494, TC deleted on the plus strand (GA on the coding strand, the reverse complement: BRCA1 is on the minus strand); deleting any 2 consecutive bases within chr17:43,092,493-43,092,497 gives the same sequence; the c. name uses the placement nearest the transcript's 3' end. VCF-style (leftmost placement, unchanged base first): chr17-43092492-TTC-T. GRCh37 (hg19) VCF-style: chr17-41244509-TTC-T.
Other names: 3156delGA; c.3037_3038delGA (NM_007294.3); c.665-1462_665-1461del (NM_001408443.1, NM_001408439.1, NM_001408425.1 and 12 more transcripts); c.671-1462_671-1461del (NM_001408419.1, NM_001408422.1, NM_001408418.1 and 2 more transcripts); c.788-1462_788-1461del (NM_001408403.1, NM_001407983.1, NM_001407975.1 and 17 more transcripts); c.791-1471_791-1470del (NM_001408406.1); c.647-1462_647-1461del (NM_001408456.1, NM_001408410.1, NM_001408458.1 and 11 more transcripts); c.644-1462_644-1461del (NM_001408465.1, NM_001408463.1, NM_001408462.1 and 3 more transcripts); and 43 more; short protein forms E1013fs, E966fs, E1010fs, E717fs, E886fs, E925fs, E965fs, E972fs.
Identifiers: ClinVar variation 37502 (VCV000037502.19), dbSNP rs397507208, ClinGen allele CA001995.